The following is an entry in ClinVar:

ClinVar aggregate classification (germline): Uncertain significance (1 of 4 stars; one submission).

Conditions:
Inborn genetic diseases. Identifiers: MedGen C0950123, MeSH D030342.

Allele frequency attached by ClinVar (database versions not stated): gnomAD 0.00001; gnomAD exomes 0.00001 and 0.00002; TOPMed 0.00001; ExAC 0.00002.
gnomAD v4.1: 11 of 1,614,114 alleles (0.00068%); highest among the groups gnomAD compares: Non-Finnish European, 0.00017%; no homozygotes.

Submission:

Ambry Genetics
Classification: Uncertain significance for Inborn genetic diseases. Last evaluated: 2017-05-25. Review status: criteria provided, single submitter. Criteria: Ambry Variant Classification Scheme 2023. Collection method: clinical testing. Allele origin: germline.
Comment: The p.H305R variant (also known as c.914A>G), located in coding exon 5 of the AP4B1 gene, results from an A to G substitution at nucleotide position 914. The histidine at codon 305 is replaced by arginine, an amino acid with highly similar properties. This amino acid position is not well conserved in available vertebrate species, and arginine is the reference amino acid in other vertebrate species. In addition, this alteration is predicted to be tolerated by in silico analysis. Since supporting evidence is limited at this time, the clinical significance of this alteration remains unclear.

NM_001253852.3(AP4B1):c.914A>G (p.His305Arg)

Genes: AP4B1 (adaptor related protein complex 4 subunit beta 1; minus strand), AP4B1-AS1 (AP4B1 antisense RNA 1; plus strand). Cytogenetic location: 1p13.2.
Variant type: single nucleotide variant.
Coding change: c.914A>G on transcript NM_001253852.3 (MANE Select); coding-DNA position 914, A replaced by G.
Protein change: p.His305Arg; replaces histidine 305 with arginine.
Molecular consequence: missense variant. On other transcripts: non-coding transcript variant (2).
Genome position (GRCh38, 1-based): chr1:113,900,104, T>C on the plus strand (A>G on the coding strand, the complement: AP4B1 is on the minus strand). VCF-style: chr1-113900104-T-C. GRCh37 (hg19) VCF-style: chr1-114442726-T-C.
Other names: c.617A>G, p.His206Arg (NM_001253853.3); c.410A>G, p.His137Arg (NM_001308312.2); c.914A>G, p.His305Arg (NM_006594.5); short protein forms H305R, H137R, H206R.
Identifiers: ClinVar variation 589086 (VCV000589086.5), dbSNP rs750420913, ClinGen allele CA1015979.